The following is an entry in ClinVar:

ClinVar aggregate classification (germline): Uncertain significance (1 of 4 stars; one submission).

Conditions:
Brachyolmia-amelogenesis imperfecta syndrome. Also called: Tooth agenesis, selective, 6; Dental anomalies and short stature; PLATYSPONDYLY WITH AMELOGENESIS IMPERFECTA. Identifiers: Orphanet 2899, MedGen C1832594, MONDO:0011018, OMIM 601216. Disease mechanism: loss of function.

Allele frequency attached by ClinVar (database versions not stated): gnomAD exomes below 0.00001; TOPMed 0.00001.
gnomAD v4.1: 1 of 1,525,790 alleles (0.000066%); highest among the groups gnomAD compares: Admixed American, 0.002%; no homozygotes.

Submission:

Labcorp Genetics (formerly Invitae), Labcorp
Classification: Uncertain significance for Brachyolmia-amelogenesis imperfecta syndrome. Last evaluated: 2025-02-22. Review status: criteria provided, single submitter. Criteria: Invitae Variant Classification Sherloc (09022015). Collection method: clinical testing. Allele origin: germline.
Comment: This sequence change replaces tyrosine, which is neutral and polar, with histidine, which is basic and polar, at codon 1104 of the LTBP3 protein (p.Tyr1104His). This variant is not present in population databases (gnomAD no frequency). This variant has not been reported in the literature in individuals affected with LTBP3-related conditions. ClinVar contains an entry for this variant (Variation ID: 1415152). An algorithm developed to predict the effect of missense changes on protein structure and function (PolyPhen-2) suggests that this variant is likely to be disruptive. In summary, the available evidence is currently insufficient to determine the role of this variant in disease. Therefore, it has been classified as a Variant of Uncertain Significance.

NM_001130144.3(LTBP3):c.3310T>C (p.Tyr1104His)

Gene: LTBP3 (latent transforming growth factor beta binding protein 3; minus strand). Cytogenetic location: 11q13.1.
Variant type: single nucleotide variant.
Coding change: c.3310T>C on transcript NM_001130144.3 (MANE Select); coding-DNA position 3310, T replaced by C.
Protein change: p.Tyr1104His; replaces tyrosine 1104 with histidine.
Molecular consequence: missense variant. On other transcripts: intron variant (2).
Genome position (GRCh38, 1-based): chr11:65,540,088, A>G on the plus strand (T>C on the coding strand, the complement: LTBP3 is on the minus strand). VCF-style: chr11-65540088-A-G. GRCh37 (hg19) VCF-style: chr11-65307559-A-G.
Other names: c.2893+157T>C (NM_001164266.1); c.3244+157T>C (NM_021070.4); short protein forms Y1104H.
Identifiers: ClinVar variation 1415152 (VCV001415152.6), dbSNP rs1335050541, ClinGen allele CA381267172.